The following is an entry in ClinVar:

ClinVar aggregate classification (germline): Likely benign (1 of 4 stars; one submission).

Conditions:
BRSK2-related disorder. Also called: BRSK2-related condition; BRSK2-Related Disorders.

gnomAD v4.1: 10 of 1,612,078 alleles (0.00062%); highest among the groups gnomAD compares: Non-Finnish European, 0.00085%; no homozygotes.

Submission:

PreventionGenetics, part of Exact Sciences
Classification: Likely benign for BRSK2-related condition. Last evaluated: 2026-03-18. Review status: criteria provided, single submitter. Criteria: ACMG Guidelines, 2015. Collection method: clinical testing. Allele origin: germline.
Comment: This variant is classified as likely benign based on ACMG/AMP sequence variant interpretation guidelines (Richards et al. 2015 PMID: 25741868, with internal and published modifications).

NM_001256627.2(BRSK2):c.1098C>T (p.Asp366=)

Gene: BRSK2 (BR serine/threonine kinase 2; plus strand). Cytogenetic location: 11p15.5.
Variant type: single nucleotide variant.
Coding change: c.1098C>T on transcript NM_001256627.2 (MANE Select); coding-DNA position 1098, C replaced by T.
Protein change: p.Asp366=; no amino-acid change (aspartic acid 366 retained).
Molecular consequence: synonymous variant. On other transcripts: non-coding transcript variant (1).
Genome position (GRCh38, 1-based): chr11:1,445,779, C>T. VCF-style: chr11-1445779-C-T. GRCh37 (hg19) VCF-style: chr11-1467009-C-T.
Other names: c.1098C>T, p.Asp366= (NM_001256629.2, NM_001440665.1, NM_001440666.1 and 3 more transcripts); c.1236C>T, p.Asp412= (NM_001256630.1, NM_001440667.1); c.918C>T, p.Asp306= (NM_001282218.2, NM_001440669.1, NM_001440671.1 and 5 more transcripts).
Identifiers: ClinVar variation 4987839 (VCV004987839.1).